The following is an entry in ClinVar:

ClinVar aggregate classification (germline): Uncertain significance (1 of 4 stars; one submission).

Allele frequency attached by ClinVar (database versions not stated): TOPMed below 0.00001; ExAC 0.00001.
gnomAD v4.1: 8 of 1,614,202 alleles (0.0005%); highest among the groups gnomAD compares: South Asian, 0.0022%; no homozygotes.

Submission:

Labcorp Genetics (formerly Invitae), Labcorp
Classification: Uncertain significance. Last evaluated: 2021-12-08. Review status: criteria provided, single submitter. Criteria: Invitae Variant Classification Sherloc (09022015). Collection method: clinical testing. Allele origin: germline.
Comment: This sequence change replaces methionine, which is neutral and non-polar, with valine, which is neutral and non-polar, at codon 2084 of the PCNT protein (p.Met2084Val). This variant is present in population databases (rs766745764, gnomAD 0.003%). This variant has not been reported in the literature in individuals affected with PCNT-related conditions. Algorithms developed to predict the effect of missense changes on protein structure and function output the following: SIFT: "Tolerated"; PolyPhen-2: "Benign"; Align-GVGD: "Class C0". The valine amino acid residue is found in multiple mammalian species, which suggests that this missense change does not adversely affect protein function. In summary, the available evidence is currently insufficient to determine the role of this variant in disease. Therefore, it has been classified as a Variant of Uncertain Significance.

NM_006031.6(PCNT):c.6250A>G (p.Met2084Val)

Gene: PCNT (pericentrin; plus strand). Cytogenetic location: 21q22.3.
Variant type: single nucleotide variant.
Coding change: c.6250A>G on transcript NM_006031.6 (MANE Select); coding-DNA position 6250, A replaced by G.
Protein change: p.Met2084Val; replaces methionine 2084 with valine.
Molecular consequence: missense variant.
Genome position (GRCh38, 1-based): chr21:46,416,168, A>G. VCF-style: chr21-46416168-A-G. GRCh37 (hg19) VCF-style: chr21-47836082-A-G.
Other names: c.5896A>G, p.Met1966Val (NM_001315529.2); short protein forms M2084V, M1966V.
Identifiers: ClinVar variation 1920973 (VCV001920973.2), dbSNP rs766745764, ClinGen allele CA10080290.
Genomic context (GRCh38, chr21:46,416,168, plus strand): 5'-GTCGATCTCGTAGCTCAGGTGAAACAGCTTCAGGAAAAACTGAACCGTTTGCTGTATTCC[A>G]TGACCTTCCAGAATGTGGATGCTGCCGACACCAAATCTCTGTGGCCCATGGCCTCAGCAC-3'
Protein context (NP_006022.3, residues 2074-2094): QEKLNRLLYS[Met2084Val]TFQNVDAADT